The following is an entry in ClinVar:

NM_000038.6(APC):c.2100dup (p.Met701fs)

Gene: APC (APC regulator of Wnt signaling pathway; plus strand). Cytogenetic location: 5q22.2.
Variant type: Duplication.
Coding change: c.2100dup on transcript NM_000038.6 (MANE Select); coding-DNA position 2100, one base duplicated (C; older notation c.2100dupC).
Protein change: p.Met701fs; shifts the reading frame from methionine 701.
Molecular consequence: frameshift variant.
Genome position (GRCh38, 1-based): chr5:112,837,694, C duplicated. VCF-style (leftmost placement, unchanged base first): chr5-112837693-A-AC. GRCh37 (hg19) VCF-style: chr5-112173390-A-AC.
Other names: c.2100dup, p.Met701fs (NM_001127510.3, NM_001354895.2); c.2046dup, p.Met683fs (NM_001127511.3); c.2154dup, p.Met719fs (NM_001354896.2); c.2130dup, p.Met711fs (NM_001354897.2); c.2025dup, p.Met676fs (NM_001354898.2); c.2016dup, p.Met673fs (NM_001354899.2); c.1977dup, p.Met660fs (NM_001354900.2); c.1923dup, p.Met642fs (NM_001354901.2); and 5 more; short protein forms M610fs, M673fs, M676fs, M541fs, M600fs, M683fs, M418fs, M575fs.
Identifiers: ClinVar variation 1785907 (VCV001785907.4), dbSNP rs1561574860, ClinGen allele CA913189466.

ClinVar aggregate classification (germline): Pathogenic. Review status: criteria provided, multiple submitters, no conflicts (2 of 4 stars). 2 submissions from 2 submitters: Pathogenic (2). Last evaluated 2023-05-04.

Conditions:
Hereditary cancer-predisposing syndrome. Also called: Neoplastic Syndromes, Hereditary; Tumor predisposition; Hereditary Cancer Syndrome; Hereditary neoplastic syndrome. Identifiers: Orphanet 140162, MedGen C0027672, MeSH D009386, MONDO:0015356.
Familial adenomatous polyposis 1 (FAP1). Also called: FAMILIAL ADENOMATOUS POLYPOSIS 1, ATTENUATED; POLYPOSIS, ADENOMATOUS INTESTINAL. Identifiers: MedGen C2713442, MONDO:0021056, OMIM 175100. Disease mechanism: loss of function.

Submissions (2):

Myriad Genetics, Inc.
Classification: Pathogenic for Familial adenomatous polyposis 1. Last evaluated: 2023-05-04. Review status: criteria provided, single submitter. Criteria: Myriad Autosomal Dominant, Autosomal Recessive and X-Linked Classification Criteria (2023). Collection method: clinical testing. Allele origin: unknown.
Comment: This variant is considered pathogenic. This variant creates a frameshift predicted to result in premature protein truncation.

Ambry Genetics
Classification: Pathogenic for Hereditary cancer-predisposing syndrome. Last evaluated: 2015-01-08. Review status: criteria provided, single submitter. Criteria: Ambry Variant Classification Scheme 2023. Collection method: clinical testing. Allele origin: germline.
Comment: The c.2100dupC pathogenic mutation, located in coding exon 15 of the APC gene, results from a duplication of C at nucleotide position 2100, causing a translational frameshift with a predicted alternate stop codon. Since frameshifts are typically deleterious in nature, this alteration is interpreted as a disease-causing mutation (ACMG Recommendations for Standards for Interpretation and Reporting of Sequence Variations. Revision 2007. Genet Med. 2008;10:294).